The following is an entry in ClinVar:

ClinVar aggregate classification (germline): Uncertain significance (1 of 4 stars; one submission).

gnomAD v4.1: 1 of 1,488,934 alleles (0.000067%); highest among the groups gnomAD compares: East Asian, 0.0028%; no homozygotes.

Submission:

Ambry Genetics
Classification: Uncertain significance. Last evaluated: 2026-06-20. Review status: criteria provided, single submitter. Criteria: Ambry Variant Classification Scheme 2023. Collection method: clinical testing. Allele origin: germline.
Comment: The p.S85W variant (also known as c.254C>G), located in coding exon 1 of the PALLD gene, results from a C to G substitution at nucleotide position 254. The serine at codon 85 is replaced by tryptophan, an amino acid with highly dissimilar properties. This amino acid position is conserved. In addition, this alteration is predicted to be tolerated by in silico analysis. Based on the available evidence, the clinical significance of this variant remains unclear.

NM_001166108.2(PALLD):c.1965-12777C>G

Gene: PALLD (palladin, cytoskeletal associated protein; plus strand). Cytogenetic location: 4q32.3.
Variant type: single nucleotide variant.
Coding change: c.1965-12777C>G on transcript NM_001166108.2 (MANE Select); 12777 bases into the intron before coding-DNA position 1965, C replaced by G.
Molecular consequence: intron variant. On other transcripts: missense variant (1).
Genome position (GRCh38, 1-based): chr4:168,878,145, C>G. VCF-style: chr4-168878145-C-G. GRCh37 (hg19) VCF-style: chr4-169799296-C-G.
Other names: c.254C>G, p.Ser85Trp (NM_001166110.2); c.1965-12777C>G (NM_016081.4); c.819-12777C>G (NM_001166109.2); c.-157-12777C>G (NM_001367570.1, NM_001367568.1, NM_001367567.1 and 1 more transcripts); short protein forms S85W.
Identifiers: ClinVar variation 5026215 (VCV005026215.1).